The following is an entry in ClinVar:

ClinVar aggregate classification (germline): Uncertain significance. Review status: criteria provided, multiple submitters, no conflicts (2 of 4 stars). 2 submissions from 2 submitters: Uncertain significance (2). Last evaluated 2026-07-15.

Conditions:
DROSHA-related disorder. Also called: DROSHA-related condition.

Allele frequency attached by ClinVar (database versions not stated): gnomAD 0.00018; TOPMed 0.00018; ExAC 0.00021; ESP Exome Variant Server 0.00024; 1000 Genomes Project 0.00040; 1000 Genomes Project 30x 0.00047.

Submissions (2):

PreventionGenetics, part of Exact Sciences
Classification: Uncertain significance for DROSHA-related condition. Last evaluated: 2026-07-15. Review status: criteria provided, single submitter. Criteria: ACMG Guidelines, 2015. Collection method: clinical testing. Allele origin: germline.
Comment: The DROSHA c.299C>T variant is predicted to result in the amino acid substitution p.Pro100Leu. This variant has been reported in individuals with hereditary hemorrhagic telangiectasia (Jiang et al. 2018. PubMed ID: 29339534; Table 1, Hata et al. 2019. PubMed ID: 30855334). However, this variant has also been reported in healthy controls (Table 1, Hata et al. 2019. PubMed ID: 30855334). Functional characterization showed that it leads to partial loss of function, and expression of this variant in the zebrafish experimental model resulted in angiogenesis defects and abnormal vascular permeability (Jiang et al. 2018. PubMed ID: 29339534; Hata et al. 2019. PubMed ID: 30855334). This variant is reported in 0.055% of alleles in individuals of Latino descent in gnomAD, which may be too high to be a primary cause of disease). This variant is interpreted as uncertain in ClinVar (Variation ID: 2634221). At this time, the clinical significance of this variant is uncertain due to the absence of conclusive functional and genetic evidence.

Clinical Genetics Laboratory, Skane University Hospital Lund
Classification: Uncertain significance. Last evaluated: 2023-09-11. Review status: criteria provided, single submitter. Criteria: ACMG Guidelines, 2015. Collection method: clinical testing. Allele origin: germline. Affected: yes.

NM_001382508.1(DROSHA):c.299C>T (p.Pro100Leu)

Gene: DROSHA (drosha ribonuclease III; minus strand). Cytogenetic location: 5p13.3.
Variant type: single nucleotide variant.
Coding change: c.299C>T on transcript NM_001382508.1 (MANE Select); coding-DNA position 299, C replaced by T.
Protein change: p.Pro100Leu; replaces proline 100 with leucine.
Molecular consequence: missense variant.
Genome position (GRCh38, 1-based): chr5:31,526,634, G>A on the plus strand (C>T on the coding strand, the complement: DROSHA is on the minus strand). VCF-style: chr5-31526634-G-A. GRCh37 (hg19) VCF-style: chr5-31526741-G-A.
Other names: c.299C>T, p.Pro100Leu (NM_001100412.2, NM_013235.5); short protein forms P100L.
Identifiers: ClinVar variation 2634221 (VCV002634221.3), dbSNP rs199846087, ClinGen allele CA3217977.
Genomic context (GRCh38, chr5:31,526,634, plus strand): 5'-ATGGGAGGAAAACAAGGAGGAACTGGGAAGGGGTGCCTCATCTGGTGGTTGGGGAAAGGC[G>A]GCCTGATTGGGCAGGGGGGAAGAGGGCCTTGCGCTGACGGAGGCATGGGTGGGGGGAAGG-3'
Protein context (NP_001369437.1, residues 90-110): QGPLPPCPIR[Pro100Leu]PFPNHQMRHP